The following is an entry in ClinVar:

ClinVar aggregate classification (germline): Uncertain significance. Review status: criteria provided, multiple submitters, no conflicts (2 of 4 stars). 2 submissions from 2 submitters: Uncertain significance (2). Last evaluated 2025-12-09.

Conditions:
Hereditary cancer-predisposing syndrome. Also called: Neoplastic Syndromes, Hereditary; Tumor predisposition; Hereditary neoplastic syndrome; Hereditary Cancer Syndrome. Identifiers: Orphanet 140162, MedGen C0027672, MeSH D009386, MONDO:0015356.
Birt-Hogg-Dube syndrome. Also called: Birt Hogg Dubé syndrome. Identifiers: Orphanet 122, MedGen C0346010, MONDO:0800444.

Allele frequency attached by ClinVar (database versions not stated): gnomAD exomes below 0.00001.

Submissions (2):

Labcorp Genetics (formerly Invitae), Labcorp
Classification: Uncertain significance for Birt-Hogg-Dube syndrome. Last evaluated: 2025-12-09. Review status: criteria provided, single submitter. Criteria: Invitae Variant Classification Sherloc (09022015). Collection method: clinical testing. Allele origin: germline.
Comment: This sequence change replaces glycine, which is neutral and non-polar, with aspartic acid, which is acidic and polar, at codon 202 of the FLCN protein (p.Gly202Asp). This variant is present in population databases (no rsID available, gnomAD 0.0009%). This variant has not been reported in the literature in individuals affected with FLCN-related conditions. ClinVar contains an entry for this variant (Variation ID: 1751323). Invitae Evidence Modeling of protein sequence and biophysical properties (such as structural, functional, and spatial information, amino acid conservation, physicochemical variation, residue mobility, and thermodynamic stability) indicates that this missense variant is not expected to disrupt FLCN protein function with a negative predictive value of 80%. In summary, the available evidence is currently insufficient to determine the role of this variant in disease. Therefore, it has been classified as a Variant of Uncertain Significance.

Ambry Genetics
Classification: Uncertain significance for Hereditary cancer-predisposing syndrome. Last evaluated: 2021-06-18. Review status: criteria provided, single submitter. Criteria: Ambry Variant Classification Scheme 2023. Collection method: clinical testing. Allele origin: germline.
Comment: The p.G202D variant (also known as c.605G>A), located in coding exon 3 of the FLCN gene, results from a G to A substitution at nucleotide position 605. The glycine at codon 202 is replaced by aspartic acid, an amino acid with similar properties. This amino acid position is not well conserved in available vertebrate species. In addition, this alteration is predicted to be tolerated by in silico analysis. Since supporting evidence is limited at this time, the clinical significance of this alteration remains unclear.

NM_144997.7(FLCN):c.605G>A (p.Gly202Asp)

Gene: FLCN (folliculin; minus strand). Cytogenetic location: 17p11.2.
Variant type: single nucleotide variant.
Coding change: c.605G>A on transcript NM_144997.7 (MANE Select); coding-DNA position 605, G replaced by A.
Protein change: p.Gly202Asp; replaces glycine 202 with aspartic acid.
Molecular consequence: missense variant.
Genome position (GRCh38, 1-based): chr17:17,223,935, C>T on the plus strand (G>A on the coding strand, the complement: FLCN is on the minus strand). VCF-style: chr17-17223935-C-T. GRCh37 (hg19) VCF-style: chr17-17127249-C-T.
Other names: c.659G>A, p.Gly220Asp (NM_001353229.2); c.605G>A, p.Gly202Asp (NM_001353230.2, NM_001353231.2, NM_144606.7); short protein forms G202D, G220D.
Identifiers: ClinVar variation 1751323 (VCV001751323.3), dbSNP rs1450326991, ClinGen allele CA398534197.